The following is an entry in ClinVar:

ClinVar aggregate classification (germline): Uncertain significance (1 of 4 stars; one submission).

Conditions:
Inborn genetic diseases. Identifiers: MedGen C0950123, MeSH D030342.

Submission:

Ambry Genetics
Classification: Uncertain significance for Inborn genetic diseases. Last evaluated: 2026-07-09. Review status: criteria provided, single submitter. Criteria: Ambry Variant Classification Scheme 2023. Collection method: clinical testing. Allele origin: germline.
Comment: The p.P921S variant (also known as c.2761C>T), located in coding exon 12 of the BMPR2 gene, results from a C to T substitution at nucleotide position 2761. The proline at codon 921 is replaced by serine, an amino acid with similar properties. This amino acid position is conserved. In addition, this alteration is predicted to be tolerated by in silico analysis. Based on the available evidence, the clinical significance of this variant remains unclear.

NM_001204.7(BMPR2):c.2761C>T (p.Pro921Ser)

Gene: BMPR2 (bone morphogenetic protein receptor type 2; plus strand). Cytogenetic location: 2q33.2.
Variant type: single nucleotide variant.
Coding change: c.2761C>T on transcript NM_001204.7 (MANE Select); coding-DNA position 2761, C replaced by T.
Protein change: p.Pro921Ser; replaces proline 921 with serine.
Molecular consequence: missense variant.
Genome position (GRCh38, 1-based): chr2:202,556,426, C>T. VCF-style: chr2-202556426-C-T. GRCh37 (hg19) VCF-style: chr2-203421149-C-T.
Other names: short protein forms P921S.
Identifiers: ClinVar variation 5033078 (VCV005033078.1).
Genomic context (GRCh38, chr2:202,556,426, plus strand): 5'-AATTCCAATAACAACAACAGCAATCCATGTTCAGAACAAGATGTTCTTGCACAGGGTGTT[C>T]CAAGCACAGCAGCAGATCCTGGGCCATCAAAGCCCAGAAGAGCACAGAGGCCTAATTCTC-3'
Protein context (NP_001195.2, residues 911-931): SEQDVLAQGV[Pro921Ser]STAADPGPSK